The following is an entry in ClinVar:

ClinVar aggregate classification (germline): Pathogenic (1 of 4 stars; one submission).

Conditions:
Neurofibromatosis, type 1 (NF1). Also called: VON RECKLINGHAUSEN DISEASE; Peripheral type neurofibromatosis; NEUROFIBROMATOSIS, TYPE I, SOMATIC; Neurofibromatosis, type I. Identifiers: Orphanet 636, MedGen C0027831, MONDO:0018975, OMIM 162200. Disease mechanism: loss of function.

Submission:

Labcorp Genetics (formerly Invitae), Labcorp
Classification: Pathogenic for Neurofibromatosis, type 1. Last evaluated: 2024-02-01. Review status: criteria provided, single submitter. Criteria: Invitae Variant Classification Sherloc (09022015). Collection method: clinical testing. Allele origin: germline.
Comment: This variant, c.4295_4309del, results in the deletion of 5 amino acid(s) of the NF1 protein (p.Val1432_Lys1436del), but otherwise preserves the integrity of the reading frame. This variant is not present in population databases (gnomAD no frequency). This variant has not been reported in the literature in individuals affected with NF1-related conditions. This variant disrupts a region of the NF1 protein in which other variant(s) (p.Lys1436Gln) have been determined to be pathogenic (PMID: 21520333, 22807134, 24789688; Invitae). This suggests that this is a clinically significant region of the protein, and that variants that disrupt it are likely to be disease-causing. For these reasons, this variant has been classified as Pathogenic.

Literature cited by the submitters: PubMed 21520333; PubMed 22807134; PubMed 24789688.

NM_001042492.3(NF1):c.4358_4372del (p.Val1453_Lys1457del)

Gene: NF1 (neurofibromin 1; plus strand). Cytogenetic location: 17q11.2.
Variant type: Deletion.
Coding change: c.4358_4372del on transcript NM_001042492.3 (MANE Select); coding-DNA positions 4358 to 4372, 15 bases deleted (TTCTCTTCACAAAAG).
Protein change: p.Val1453_Lys1457del.
Molecular consequence: inframe deletion. On other transcripts: inframe indel (1).
Genome position (GRCh38, 1-based): chr17:31,259,057-31,259,071, TTCTCTTCACAAAAG deleted; deleting any 15 consecutive bases within chr17:31,259,056-31,259,071 gives the same sequence; the c. name uses the placement nearest the transcript's 3' end. VCF-style (leftmost placement, unchanged base first): chr17-31259055-TGTTCTCTTCACAAAA-T. GRCh37 (hg19) VCF-style: chr17-29586073-TGTTCTCTTCACAAAA-T.
Other names: c.4295_4309delTTCTCTTCACAAAAG, p.Val1432_Lys1436del (NM_000267.4).
Identifiers: ClinVar variation 3637987 (VCV003637987.2).